The following is an entry in ClinVar:

NM_001386298.1(CIC):c.3371G>C (p.Arg1124Pro)

Gene: CIC (capicua transcriptional repressor; plus strand). Cytogenetic location: 19q13.2.
Variant type: single nucleotide variant.
Coding change: c.3371G>C on transcript NM_001386298.1 (MANE Select); coding-DNA position 3371, G replaced by C.
Protein change: p.Arg1124Pro; replaces arginine 1124 with proline.
Molecular consequence: missense variant.
Genome position (GRCh38, 1-based): chr19:42,287,606, G>C. VCF-style: chr19-42287606-G-C. GRCh37 (hg19) VCF-style: chr19-42791758-G-C.
Other names: c.3371G>C, p.Arg1124Pro (NM_001304815.2, NM_001379480.1, NM_001379482.1); c.644G>C, p.Arg215Pro (NM_001379484.1, NM_001379485.1, NM_015125.5); short protein forms R1124P, R215P.
Identifiers: ClinVar variation 3363496 (VCV003363496.1).

ClinVar aggregate classification (germline): Uncertain significance (1 of 4 stars; one submission).

Submission:

GeneDx
Classification: Uncertain significance. Last evaluated: 2023-10-26. Review status: criteria provided, single submitter. Criteria: GeneDx Variant Classification Process June 2021. Collection method: clinical testing. Allele origin: germline. Affected: yes.
Comment: Not observed at significant frequency in large population cohorts (gnomAD); In silico analysis supports that this missense variant has a deleterious effect on protein structure/function; Has not been previously published as pathogenic or benign to our knowledge